The following is an entry in ClinVar:

ClinVar aggregate classification (germline): Uncertain significance (1 of 4 stars; one submission).

Submission:

Labcorp Genetics (formerly Invitae), Labcorp
Classification: Uncertain significance. Last evaluated: 2024-02-01. Review status: criteria provided, single submitter. Criteria: Invitae Variant Classification Sherloc (09022015). Collection method: clinical testing. Allele origin: germline.
Comment: This sequence change replaces glycine, which is neutral and non-polar, with alanine, which is neutral and non-polar, at codon 125 of the ANXA11 protein (p.Gly125Ala). This variant is not present in population databases (gnomAD no frequency). This variant has not been reported in the literature in individuals affected with ANXA11-related conditions. Experimental studies and prediction algorithms are not available or were not evaluated, and the functional significance of this variant is currently unknown. In summary, the available evidence is currently insufficient to determine the role of this variant in disease. Therefore, it has been classified as a Variant of Uncertain Significance.

NM_145868.2(ANXA11):c.374G>C (p.Gly125Ala)

Gene: ANXA11 (annexin A11; minus strand). Cytogenetic location: 10q22.3.
Variant type: single nucleotide variant.
Coding change: c.374G>C on transcript NM_145868.2 (MANE Select); coding-DNA position 374, G replaced by C.
Protein change: p.Gly125Ala; replaces glycine 125 with alanine.
Molecular consequence: missense variant.
Genome position (GRCh38, 1-based): chr10:80,169,156, C>G on the plus strand (G>C on the coding strand, the complement: ANXA11 is on the minus strand). VCF-style: chr10-80169156-C-G. GRCh37 (hg19) VCF-style: chr10-81928912-C-G.
Other names: c.374G>C, p.Gly125Ala (NM_001157.3, NM_001278407.2, NM_001278408.2 and 1 more transcripts); c.275G>C, p.Gly92Ala (NM_001278409.2); short protein forms G92A, G125A.
Identifiers: ClinVar variation 3676118 (VCV003676118.2).